The following is an entry in ClinVar:

ClinVar aggregate classification (germline): Uncertain significance (1 of 4 stars; one submission).

Conditions:
Familial cold autoinflammatory syndrome 3 (FCAS3). Also called: FAMILIAL ATYPICAL COLD URTICARIA; ANTIBODY DEFICIENCY AND IMMUNE DYSREGULATION, PLCG2-ASSOCIATED. Identifiers: Orphanet 300359, MedGen C3280914, MONDO:0013766, OMIM 614468.

Allele frequency attached by ClinVar (database versions not stated): gnomAD exomes below 0.00001.

Submission:

Labcorp Genetics (formerly Invitae), Labcorp
Classification: Uncertain significance for Familial cold autoinflammatory syndrome 3. Last evaluated: 2022-08-16. Review status: criteria provided, single submitter. Criteria: Invitae Variant Classification Sherloc (09022015). Collection method: clinical testing. Allele origin: germline.
Comment: In summary, the available evidence is currently insufficient to determine the role of this variant in disease. Therefore, it has been classified as a Variant of Uncertain Significance. This sequence change replaces isoleucine, which is neutral and non-polar, with valine, which is neutral and non-polar, at codon 827 of the PLCG2 protein (p.Ile827Val). This variant is not present in population databases (gnomAD no frequency). This variant has not been reported in the literature in individuals affected with PLCG2-related conditions. ClinVar contains an entry for this variant (Variation ID: 1038797). Algorithms developed to predict the effect of missense changes on protein structure and function (SIFT, PolyPhen-2, Align-GVGD) all suggest that this variant is likely to be tolerated.

NM_002661.5(PLCG2):c.2479A>G (p.Ile827Val)

Gene: PLCG2 (phospholipase C gamma 2; plus strand). Cytogenetic location: 16q23.3.
Variant type: single nucleotide variant.
Coding change: c.2479A>G on transcript NM_002661.5 (MANE Select); coding-DNA position 2479, A replaced by G.
Protein change: p.Ile827Val; replaces isoleucine 827 with valine.
Molecular consequence: missense variant.
Genome position (GRCh38, 1-based): chr16:81,927,143, A>G. VCF-style: chr16-81927143-A-G. GRCh37 (hg19) VCF-style: chr16-81960748-A-G.
Other names: short protein forms I827V.
Identifiers: ClinVar variation 1038797 (VCV001038797.8), dbSNP rs1910307318, ClinGen allele CA396902775.